The following is an entry in ClinVar:

ClinVar aggregate classification (germline): Uncertain significance (1 of 4 stars; one submission).

Conditions:
Duane-radial ray syndrome (DRRS). Also called: Duane-Radial Ray Syndrome/Okihiro Syndrome; Okihiro Syndrome; Duane-Radial Ray Syndrome (DRRS) / Okihiro Syndrome; ACRORENOOCULAR SYNDROME; DR SYNDROME; DUANE ANOMALY WITH RADIAL RAY ABNORMALITIES AND DEAFNESS. Identifiers: Orphanet 93293, Orphanet 959, MedGen C1623209, MONDO:0011812, OMIM 607323. Disease mechanism: gain of function.

Allele frequency attached by ClinVar (database versions not stated): gnomAD 0.00001; ExAC 0.00002; TOPMed 0.00002.

Submission:

Labcorp Genetics (formerly Invitae), Labcorp
Classification: Uncertain significance for Duane-radial ray syndrome. Last evaluated: 2022-07-15. Review status: criteria provided, single submitter. Criteria: Invitae Variant Classification Sherloc (09022015). Collection method: clinical testing. Allele origin: germline.
Comment: This sequence change replaces glutamic acid, which is acidic and polar, with lysine, which is basic and polar, at codon 444 of the SALL4 protein (p.Glu444Lys). This variant is present in population databases (rs765004478, gnomAD 0.01%). This variant has not been reported in the literature in individuals affected with SALL4-related conditions. Algorithms developed to predict the effect of missense changes on protein structure and function are either unavailable or do not agree on the potential impact of this missense change (SIFT: "Deleterious"; PolyPhen-2: "Benign"; Align-GVGD: "Class C0"). In summary, the available evidence is currently insufficient to determine the role of this variant in disease. Therefore, it has been classified as a Variant of Uncertain Significance.

NM_020436.5(SALL4):c.1330G>A (p.Glu444Lys)

Gene: SALL4 (spalt like transcription factor 4; minus strand). Cytogenetic location: 20q13.2.
Variant type: single nucleotide variant.
Coding change: c.1330G>A on transcript NM_020436.5 (MANE Select); coding-DNA position 1330, G replaced by A.
Protein change: p.Glu444Lys; replaces glutamic acid 444 with lysine.
Molecular consequence: missense variant. On other transcripts: intron variant (1).
Genome position (GRCh38, 1-based): chr20:51,791,153, C>T on the plus strand (G>A on the coding strand, the complement: SALL4 is on the minus strand). VCF-style: chr20-51791153-C-T. GRCh37 (hg19) VCF-style: chr20-50407692-C-T.
Other names: c.1150+180G>A (NM_001318031.2); short protein forms E444K.
Identifiers: ClinVar variation 2138216 (VCV002138216.4), dbSNP rs765004478, ClinGen allele CA9912307.